The following is an entry in ClinVar:

ClinVar aggregate classification (germline): Uncertain significance (1 of 4 stars; one submission).

Submission:

GeneDx
Classification: Uncertain significance. Last evaluated: 2024-02-29. Review status: criteria provided, single submitter. Criteria: GeneDx Variant Classification Process June 2021. Collection method: clinical testing. Allele origin: germline. Affected: yes.
Comment: In silico analysis is inconclusive as to whether the variant alters gene splicing. In the absence of RNA/functional studies, the actual effect of this sequence change is unknown.; Not observed at significant frequency in large population cohorts (gnomAD); This variant is associated with the following publications: (PMID: Verma2017[CaseReport])

NM_194277.3(FRMD7):c.57+4A>G

Gene: FRMD7 (FERM domain containing 7; minus strand). Cytogenetic location: Xq26.2.
Variant type: single nucleotide variant.
Coding change: c.57+4A>G on transcript NM_194277.3 (MANE Select); 4 bases into the intron after coding-DNA position 57, A replaced by G.
Molecular consequence: intron variant.
Genome position (GRCh38, 1-based): chrX:132,127,784, T>C on the plus strand (A>G on the coding strand, the complement: FRMD7 is on the minus strand). VCF-style: chrX-132127784-T-C. GRCh37 (hg19) VCF-style: chrX-131261812-T-C.
Other names: c.57+4A>G (NM_001306193.2).
Identifiers: ClinVar variation 3338891 (VCV003338891.1).